The following is an entry in ClinVar:

ClinVar aggregate classification (germline): Uncertain significance. Review status: criteria provided, multiple submitters, no conflicts (2 of 4 stars). 2 submissions from 2 submitters: Uncertain significance (2). Last evaluated 2024-06-21.

Allele frequency attached by ClinVar (database versions not stated): TOPMed below 0.00001.

Submissions (2):

GeneDx
Classification: Uncertain significance. Last evaluated: 2024-06-21. Review status: criteria provided, single submitter. Criteria: GeneDx Variant Classification Process June 2021. Collection method: clinical testing. Allele origin: germline. Affected: yes.
Comment: Not observed at significant frequency in large population cohorts (gnomAD); In silico analysis indicates that this missense variant does not alter protein structure/function; Has not been previously published as pathogenic or benign to our knowledge

Labcorp Genetics (formerly Invitae), Labcorp
Classification: Uncertain significance. Last evaluated: 2022-08-24. Review status: criteria provided, single submitter. Criteria: Invitae Variant Classification Sherloc (09022015). Collection method: clinical testing. Allele origin: germline.
Comment: Algorithms developed to predict the effect of missense changes on protein structure and function (SIFT, PolyPhen-2, Align-GVGD) all suggest that this variant is likely to be tolerated. This variant has not been reported in the literature in individuals affected with GRIN2D-related conditions. This variant is not present in population databases (gnomAD no frequency). This sequence change replaces leucine, which is neutral and non-polar, with valine, which is neutral and non-polar, at codon 868 of the GRIN2D protein (p.Leu868Val). In summary, the available evidence is currently insufficient to determine the role of this variant in disease. Therefore, it has been classified as a Variant of Uncertain Significance.

NM_000836.4(GRIN2D):c.2602C>G (p.Leu868Val)

Gene: GRIN2D (glutamate ionotropic receptor NMDA type subunit 2D; plus strand). Cytogenetic location: 19q13.33.
Variant type: single nucleotide variant.
Coding change: c.2602C>G on transcript NM_000836.4 (MANE Select); coding-DNA position 2602, C replaced by G.
Protein change: p.Leu868Val; replaces leucine 868 with valine.
Molecular consequence: missense variant.
Genome position (GRCh38, 1-based): chr19:48,442,311, C>G. VCF-style: chr19-48442311-C-G. GRCh37 (hg19) VCF-style: chr19-48945568-C-G.
Other names: c.2602C>G (NM_000836.2); short protein forms L868V.
Identifiers: ClinVar variation 1717927 (VCV001717927.6), dbSNP rs1184601011, ClinGen allele CA406670381.